The following is an entry in ClinVar:

ClinVar aggregate classification (germline): Conflicting classifications of pathogenicity. Review status: criteria provided, conflicting classifications (1 of 4 stars). 5 submissions from 5 submitters: Uncertain significance (1); Benign (1); Likely benign (2). 1 of the submissions does not count toward it. Last evaluated 2026-05-01.

Conditions:
RIMS1-related disorder. Also called: RIMS1-related condition.

Allele frequency attached by ClinVar (database versions not stated): gnomAD 0.00006 and 0.00007; gnomAD exomes 0.00010 and 0.00056; 1000 Genomes Project 0.00020; TOPMed 0.00020; ExAC 0.00056; 1000 Genomes Project 30x 0.00062.
gnomAD v4.1: 155 of 1,592,800 alleles (0.0097%); highest among the groups gnomAD compares: Admixed American, 0.25%; 1 homozygote.

Submissions (5):

CeGaT Center for Human Genetics Tuebingen
Classification: Likely benign. Last evaluated: 2026-05-01. Review status: criteria provided, single submitter. Criteria: CeGaT Center For Human Genetics Tuebingen Variant Classification Criteria Version 2. Collection method: clinical testing. Allele origin: germline. Affected: yes. Observed: 2 variant alleles.
Comment: RIMS1: BP4, BS1

Labcorp Genetics (formerly Invitae), Labcorp
Classification: Benign. Last evaluated: 2026-01-25. Review status: criteria provided, single submitter. Criteria: Invitae Variant Classification Sherloc (09022015). Collection method: clinical testing. Allele origin: germline.

Blueprint Genetics
Classification: Likely benign. Last evaluated: 2024-02-19. Review status: criteria provided, single submitter. Criteria: ACMG Guidelines, 2015. Collection method: clinical testing. Allele origin: germline.

Eurofins Ntd Llc (ga)
Classification: Uncertain significance. Last evaluated: 2014-08-22. Review status: criteria provided, single submitter. Criteria: EGL Classification Definitions 2015. Collection method: clinical testing. Allele origin: germline. Observed: 1 variant allele, 1 heterozygote.

PreventionGenetics, part of Exact Sciences
Classification: Likely benign for RIMS1-related condition. Last evaluated: 2020-02-19. Review status: no assertion criteria provided. Collection method: clinical testing. Allele origin: germline. Not counted in ClinVar's aggregate classification.
Comment: This variant is classified as likely benign based on ACMG/AMP sequence variant interpretation guidelines (Richards et al. 2015 PMID: 25741868, with internal and published modifications).

NM_014989.7(RIMS1):c.4506-5G>A

Gene: RIMS1 (regulating synaptic membrane exocytosis 1; plus strand). Cytogenetic location: 6q13.
Variant type: single nucleotide variant.
Coding change: c.4506-5G>A on transcript NM_014989.7 (MANE Select); 5 bases into the intron before coding-DNA position 4506, G replaced by A.
Molecular consequence: intron variant.
Genome position (GRCh38, 1-based): chr6:72,392,693, G>A. VCF-style: chr6-72392693-G-A. GRCh37 (hg19) VCF-style: chr6-73102395-G-A.
Other names: c.1884-5G>A (NM_001350428.2); c.2328-5G>A (NM_001350459.2); c.1812-5G>A (NM_001350424.2); c.2409-5G>A (NM_001350437.2); c.1881-5G>A (NM_001350430.2, NM_001168408.2); c.2325-5G>A (NM_001350421.2); c.1809-5G>A (NM_001350450.2); c.2475-5G>A (NM_001350458.2); and 54 more.
Identifiers: ClinVar variation 196704 (VCV000196704.23), dbSNP rs201556693, ClinGen allele CA243777.